The following is an entry in ClinVar:

ClinVar aggregate classification (germline): Uncertain significance (1 of 4 stars; one submission).

Conditions:
Candidiasis, familial, 8 (CANDF8). Identifiers: Orphanet 1334, MedGen C3714992, MONDO:0014230, OMIM 615527.

Submission:

Labcorp Genetics (formerly Invitae), Labcorp
Classification: Uncertain significance for Candidiasis, familial, 8. Last evaluated: 2019-04-25. Review status: criteria provided, single submitter. Criteria: Invitae Variant Classification Sherloc (09022015). Collection method: clinical testing. Allele origin: germline.
Comment: In summary, the available evidence is currently insufficient to determine the role of this variant in disease. Therefore, it has been classified as a Variant of Uncertain Significance. Algorithms developed to predict the effect of missense changes on protein structure and function (SIFT, PolyPhen-2, Align-GVGD) all suggest that this variant is likely to be tolerated, but these predictions have not been confirmed by published functional studies and their clinical significance is uncertain. This variant has not been reported in the literature in individuals with TRAF3IP2-related conditions. This variant is not present in population databases (ExAC no frequency). This sequence change replaces glycine with aspartic acid at codon 173 of the TRAF3IP2 protein (p.Gly173Asp). The glycine residue is weakly conserved and there is a moderate physicochemical difference between glycine and aspartic acid.

NM_147686.4(TRAF3IP2):c.518G>A (p.Gly173Asp)

Genes: TRAF3IP2 (TRAF3 interacting protein 2; minus strand), TRAF3IP2-AS1 (TRAF3IP2 antisense RNA 1; plus strand), LOC114803478 (TRAF3IP2 eExon liver enhancer; plus strand). Cytogenetic location: 6q21.
Variant type: single nucleotide variant.
Coding change: c.518G>A on transcript NM_147686.4 (MANE Select); coding-DNA position 518, G replaced by A.
Protein change: p.Gly173Asp; replaces glycine 173 with aspartic acid.
Molecular consequence: missense variant.
Genome position (GRCh38, 1-based): chr6:111,591,569, C>T on the plus strand (G>A on the coding strand, the complement: TRAF3IP2 is on the minus strand). VCF-style: chr6-111591569-C-T. GRCh37 (hg19) VCF-style: chr6-111912772-C-T.
Other names: c.518G>A, p.Gly173Asp (NM_001164281.3); c.545G>A, p.Gly182Asp (NM_147200.3); short protein forms G173D, G182D.
Identifiers: ClinVar variation 944025 (VCV000944025.9), dbSNP rs1796516657, ClinGen allele CA365367157.
Genomic context (GRCh38, chr6:111,591,569, plus strand): 5'-GGCAGATCCAGGCCTGCTCGGTTCCTGTGAGGCTGGGGCCGTTGCACCATCTCCTGGCTA[C>T]CGCCCAAGGAGTCTGCTGAGGCATTAGGTAAACTTTGGTCTGATTTGTCTGAGTCATGGC-3'
Protein context (NP_679211.2, residues 163-183): LPNASADSLG[Gly173Asp]SQEMVQRPQP